The following is an entry in ClinVar:

ClinVar aggregate classification (germline): Pathogenic (1 of 4 stars; one submission).

Submission:

Labcorp Genetics (formerly Invitae), Labcorp
Classification: Pathogenic. Last evaluated: 2022-08-21. Review status: criteria provided, single submitter. Criteria: Invitae Variant Classification Sherloc (09022015). Collection method: clinical testing. Allele origin: germline.
Comment: For these reasons, this variant has been classified as Pathogenic. Algorithms developed to predict the effect of sequence changes on RNA splicing suggest that this variant may disrupt the consensus splice site. This variant has not been reported in the literature in individuals affected with LZTR1-related conditions. This variant is not present in population databases (gnomAD no frequency). This sequence change creates a premature translational stop signal (p.Ser467Glyfs*87) in the LZTR1 gene. It is expected to result in an absent or disrupted protein product. Loss-of-function variants in LZTR1 are known to be pathogenic (PMID: 24362817, 25335493, 25480913, 25795793, 29469822, 30368668, 30442762, 30442766, 30481304, 30859559).

Literature cited by the submitters: PubMed 24362817; PubMed 25335493; PubMed 25480913; PubMed 25795793; PubMed 29469822; PubMed 30368668; PubMed 30442762; PubMed 30442766; PubMed 30481304; PubMed 30859559.

NM_006767.4(LZTR1):c.1399_1405del (p.Ser467fs)

Gene: LZTR1 (leucine zipper like post translational regulator 1; plus strand). Cytogenetic location: 22q11.21.
Variant type: Deletion.
Coding change: c.1399_1405del on transcript NM_006767.4 (MANE Select); coding-DNA positions 1399 to 1405, 7 bases deleted (AGCCGCT; older notation c.1399_1405delAGCCGCT).
Protein change: p.Ser467fs; shifts the reading frame from serine 467.
Molecular consequence: frameshift variant.
Genome position (GRCh38, 1-based): chr22:20,993,969-20,993,975, AGCCGCT deleted. VCF-style (leftmost placement, unchanged base first): chr22-20993968-GAGCCGCT-G. GRCh37 (hg19) VCF-style: chr22-21348257-GAGCCGCT-G.
Other names: short protein forms S467fs.
Identifiers: ClinVar variation 2025671 (VCV002025671.4), dbSNP rs2518620451, ClinGen allele CA2580099171.